The following is an entry in ClinVar:

ClinVar aggregate classification (germline): Likely benign. Review status: criteria provided, multiple submitters, no conflicts (2 of 4 stars). 3 submissions from 3 submitters: Likely benign (3). Last evaluated 2024-03-21.

Conditions:
Cardiovascular phenotype. Identifiers: MedGen CN230736.
Hypertrophic cardiomyopathy 2. Also called: TNNT2-Related Familial Hypertrophic Cardiomyopathy. Identifiers: MedGen C1861864, MONDO:0007266, OMIM 115195.
Dilated cardiomyopathy 1D. Identifiers: Orphanet 154, Orphanet 54260, MedGen C1832243, MONDO:0011095, OMIM 601494.
Cardiomyopathy, familial restrictive, 3. Identifiers: Orphanet 75249, MedGen C2676271, MONDO:0012900, OMIM 612422.
Cardiomyopathy (CMYO). Also called: Cardiomyopathies. Identifiers: Orphanet 167848, MedGen C0878544, MONDO:0004994, HP:0001638. Inheritance: Various modes of inheritance.

Allele frequency attached by ClinVar (database versions not stated): TOPMed below 0.00001; gnomAD exomes 0.00001.
gnomAD v4.1: 9 of 1,611,182 alleles (0.00056%); highest among the groups gnomAD compares: Non-Finnish European, 0.00076%; no homozygotes.

Submissions (3):

Labcorp Genetics (formerly Invitae), Labcorp
Classification: Likely benign for Cardiomyopathy, familial restrictive, 3; Hypertrophic cardiomyopathy 2; Dilated cardiomyopathy 1D. Last evaluated: 2024-03-21. Review status: criteria provided, single submitter. Criteria: Invitae Variant Classification Sherloc (09022015). Collection method: clinical testing. Allele origin: germline.

All of Us Research Program, National Institutes of Health
Classification: Likely benign for Cardiomyopathy. Last evaluated: 2023-09-17. Review status: criteria provided, single submitter. Criteria: ACMG Guidelines, 2015. Collection method: clinical testing. Allele origin: germline. Inheritance: Autosomal dominant inheritance. Observed: 1 variant allele, 1 heterozygote.
Comment: This study involves interpretation of variants in research participants for the purpose of population health screening. Participant phenotype was not available at the time of variant classification. Additional details can be found in publication PMID: 35346344, PMCID: PMC8962531

Ambry Genetics
Classification: Likely benign for Cardiovascular phenotype. Last evaluated: 2022-10-14. Review status: criteria provided, single submitter. Criteria: Ambry Variant Classification Scheme 2023. Collection method: clinical testing. Allele origin: germline.

NM_001276345.2(TNNT2):c.879C>T (p.Val293=)

Gene: TNNT2 (troponin T2, cardiac type; minus strand). Cytogenetic location: 1q32.1.
Variant type: single nucleotide variant.
Coding change: c.879C>T on transcript NM_001276345.2 (MANE Select); coding-DNA position 879, C replaced by T.
Protein change: p.Val293=; no amino-acid change (valine 293 retained).
Molecular consequence: synonymous variant.
Genome position (GRCh38, 1-based): chr1:201,359,228, G>A on the plus strand (C>T on the coding strand, the complement: TNNT2 is on the minus strand). VCF-style: chr1-201359228-G-A. GRCh37 (hg19) VCF-style: chr1-201328356-G-A.
Other names: c.870C>T, p.Val290= (NM_000364.4, NM_001406723.1); c.849C>T, p.Val283= (NM_001001430.3, NM_001276347.2, NM_001406724.1); c.840C>T, p.Val280= (NM_001001431.3, NM_001406726.1, NM_001406727.1); c.831C>T, p.Val277= (NM_001001432.3); c.750C>T, p.Val250= (NM_001276346.2); c.846C>T, p.Val282= (NM_001406725.1); c.834C>T, p.Val278= (NM_001406728.1).
Identifiers: ClinVar variation 1763600 (VCV001763600.6), dbSNP rs1251750348, ClinGen allele CA422527179.
Genomic context (GRCh38, chr1:201,359,228, plus strand): 5'-GGTGCGAGCGAGGAGCAGATCTTTGGTGAAGGAGGCCAGGCTCTATTTCCAGCGCCCGGT[G>A]ACTTTAGCCTTCCCGCGGGTCTTGGAGCTGCAGGGGAAGCAGGACGCAGTGACATGGAGA-3'
Protein context (NP_001263274.1, residues 283-298): KVSKTRGKAK[Val293=]TGRWK